The following is an entry in ClinVar:

ClinVar aggregate classification (germline): Uncertain significance (1 of 4 stars; one submission).

Allele frequency attached by ClinVar (database versions not stated): gnomAD exomes below 0.00001.

Submission:

Center for Pediatric Genomic Medicine, Children's Mercy Hospital and Clinics
Classification: Uncertain significance. Last evaluated: 2017-02-03. Review status: criteria provided, single submitter. Criteria: ACMG Guidelines, 2015. Collection method: clinical testing. Allele origin: germline.
ClinVar note: Converted during submission from Uncertain Significance to Uncertain significance.

NM_000170.3(GLDC):c.2791G>A (p.Ala931Thr)

Gene: GLDC (glycine decarboxylase; minus strand). Cytogenetic location: 9p24.1.
Variant type: single nucleotide variant.
Coding change: c.2791G>A on transcript NM_000170.3 (MANE Select); coding-DNA position 2791, G replaced by A.
Protein change: p.Ala931Thr; replaces alanine 931 with threonine.
Molecular consequence: missense variant.
Genome position (GRCh38, 1-based): chr9:6,536,111, C>T on the plus strand (G>A on the coding strand, the complement: GLDC is on the minus strand). VCF-style: chr9-6536111-C-T. GRCh37 (hg19) VCF-style: chr9-6536111-C-T.
Other names: short protein forms A931T.
Identifiers: ClinVar variation 377297 (VCV000377297.3), dbSNP rs1057520185, ClinGen allele CA16603328.